The following is an entry in ClinVar:

NM_021072.4(HCN1):c.2314C>G (p.Gln772Glu)

Gene: HCN1 (hyperpolarization activated cyclic nucleotide gated potassium channel 1; minus strand). Cytogenetic location: 5p12.
Variant type: single nucleotide variant.
Coding change: c.2314C>G on transcript NM_021072.4 (MANE Select); coding-DNA position 2314, C replaced by G.
Protein change: p.Gln772Glu; replaces glutamine 772 with glutamic acid.
Molecular consequence: missense variant.
Genome position (GRCh38, 1-based): chr5:45,262,280, G>C on the plus strand (C>G on the coding strand, the complement: HCN1 is on the minus strand). VCF-style: chr5-45262280-G-C. GRCh37 (hg19) VCF-style: chr5-45262382-G-C.
Other names: short protein forms Q772E.
Identifiers: ClinVar variation 2047508 (VCV002047508.4), dbSNP rs975750493, ClinGen allele CA118278361.

ClinVar aggregate classification (germline): Uncertain significance (1 of 4 stars; one submission).

Conditions:
Early-infantile DEE. Also called: Ohtahara syndrome; Early infantile epileptic encephalopathy; Early infantile epileptic encephalopathy with suppression bursts. Identifiers: Orphanet 1934, MedGen C0393706, MONDO:0800491.

Allele frequency attached by ClinVar (database versions not stated): TOPMed 0.00001.
gnomAD v4.1: 3 of 1,614,066 alleles (0.00019%); highest among the groups gnomAD compares: Admixed American, 0.005%; no homozygotes.

Submission:

Labcorp Genetics (formerly Invitae), Labcorp
Classification: Uncertain significance for Early-infantile DEE. Last evaluated: 2025-03-23. Review status: criteria provided, single submitter. Criteria: Invitae Variant Classification Sherloc (09022015). Collection method: clinical testing. Allele origin: germline.
Comment: This sequence change replaces glutamine, which is neutral and polar, with glutamic acid, which is acidic and polar, at codon 772 of the HCN1 protein (p.Gln772Glu). This variant is present in population databases (no rsID available, gnomAD 0.009%). This variant has not been reported in the literature in individuals affected with HCN1-related conditions. ClinVar contains an entry for this variant (Variation ID: 2047508). Invitae Evidence Modeling of protein sequence and biophysical properties (such as structural, functional, and spatial information, amino acid conservation, physicochemical variation, residue mobility, and thermodynamic stability) indicates that this missense variant is not expected to disrupt HCN1 protein function with a negative predictive value of 95%. In summary, the available evidence is currently insufficient to determine the role of this variant in disease. Therefore, it has been classified as a Variant of Uncertain Significance.